The following is an entry in ClinVar:

NM_001017995.3(SH3PXD2B):c.*2596A>G

Gene: SH3PXD2B (SH3 and PX domains 2B; minus strand). Cytogenetic location: 5q35.1.
Variant type: single nucleotide variant.
Coding change: c.*2596A>G on transcript NM_001017995.3 (MANE Select); 2596 bases downstream of the stop codon, A replaced by G.
Molecular consequence: 3 prime UTR variant. On other transcripts: intron variant (1).
Genome position (GRCh38, 1-based): chr5:172,335,773, T>C on the plus strand (A>G on the coding strand, the complement: SH3PXD2B is on the minus strand). VCF-style: chr5-172335773-T-C. GRCh37 (hg19) VCF-style: chr5-171762777-T-C.
Other names: c.1188+10363A>G (NM_001308175.2).
Identifiers: ClinVar variation 352758 (VCV000352758.5), dbSNP rs889024, ClinGen allele CA10619966.

ClinVar aggregate classification (germline): Benign (1 of 4 stars; one submission).

Conditions:
Frank-Ter Haar syndrome. Also called: BORRONE DERMATOCARDIOSKELETAL SYNDROME; TER HAAR SYNDROME; MELNICK-NEEDLES SYNDROME, AUTOSOMAL RECESSIVE; Borrone di Rocco Crovato syndrome. Identifiers: Orphanet 1266, Orphanet 137834, MedGen C1855305, MONDO:0009579, OMIM 249420.

Allele frequency attached by ClinVar (database versions not stated): gnomAD exomes 0.53117; gnomAD 0.54879 and 0.55368; TOPMed 0.55276; 1000 Genomes Project 0.58946; 1000 Genomes Project 30x 0.59135.
gnomAD v4.1: 657,636 of 1,229,862 alleles (53%); highest among the groups gnomAD compares: South Asian, 74%; 176,900 homozygotes.

Submission:

Illumina Laboratory Services, Illumina
Classification: Benign for Frank-Ter Haar syndrome. Last evaluated: 2018-01-12. Review status: criteria provided, single submitter. Criteria: ICSL Variant Classification Criteria 13 December 2019. Collection method: clinical testing. Allele origin: germline.
Comment: This variant was observed in the ICSL laboratory as part of a predisposition screen in an ostensibly healthy population. It had not been previously curated by ICSL or reported in the Human Gene Mutation Database (HGMD: prior to June 1st, 2018), and was therefore a candidate for classification through an automated scoring system. Utilizing variant allele frequency, disease prevalence and penetrance estimates, and inheritance mode, an automated score was calculated to assess if this variant is too frequent to cause the disease. Based on the score and internal cut-off values, a variant classified as benign is not then subjected to further curation. The score for this variant resulted in a classification of benign for this disease.